The following is an entry in ClinVar:

NM_000271.5(NPC1):c.2443_2444del (p.Ser815fs)

Gene: NPC1 (NPC intracellular cholesterol transporter 1; minus strand). Cytogenetic location: 18q11.2.
Variant type: Microsatellite.
Coding change: c.2443_2444del on transcript NM_000271.5 (MANE Select); coding-DNA positions 2443 to 2444, 2 bases deleted (AG; older notation c.2443_2444delAG).
Protein change: p.Ser815fs; shifts the reading frame from serine 815.
Molecular consequence: frameshift variant.
Genome position (GRCh38, 1-based): chr18:23,541,138-23,541,139, CT deleted on the plus strand (AG on the coding strand, the reverse complement: NPC1 is on the minus strand); deleting any 2 consecutive bases within chr18:23,541,138-23,541,143 gives the same sequence; the c. name uses the placement nearest the transcript's 3' end. VCF-style (leftmost placement, unchanged base first): chr18-23541137-GCT-G. GRCh37 (hg19) VCF-style: chr18-21121101-GCT-G.
Other names: short protein forms S815fs.
Identifiers: ClinVar variation 4818056 (VCV004818056.1).

ClinVar aggregate classification (germline): Likely pathogenic (1 of 4 stars; one submission).

Conditions:
Niemann-Pick disease, type C1. Also called: NIEMANN-PICK DISEASE, VARIANT TYPE C1; NEUROVISCERAL STORAGE DISEASE WITH VERTICAL SUPRANUCLEAR OPHTHALMOPLEGIA; NIEMANN-PICK DISEASE WITH CHOLESTEROL ESTERIFICATION BLOCK; NIEMANN-PICK DISEASE WITHOUT SPHINGOMYELINASE DEFICIENCY; NIEMANN-PICK DISEASE, CHRONIC NEURONOPATHIC FORM. Identifiers: Orphanet 646, MedGen C3179455, MONDO:0009757, OMIM 257220.

Submission:

Natera, Inc.
Classification: Likely pathogenic for Niemann-Pick disease type C1. Last evaluated: 2025-07-17. Review status: criteria provided, single submitter. Criteria: Natera Variant Classification Schema (03/2026). Collection method: clinical testing. Allele origin: germline.
Comment: The c.2443_2444del variant in NPC1 is a frameshift variant predicted to shift the reading frame beginning at codon 815 and leads to a stop codon 54 codons downstream. This variant is expected to result in nonsense mediated decay, truncation, or a dysfunctional protein product. This variant is rare in the general population with a frequency below the threshold expected for the associated phenotype(s). Given the available evidence, this variant is classified as Likely Pathogenic.